The following is an entry in ClinVar:

NM_001123385.2(BCOR):c.3487C>T (p.Arg1163Ter)

Gene: BCOR (BCL6 corepressor; minus strand). Cytogenetic location: Xp11.4.
Variant type: single nucleotide variant.
Coding change: c.3487C>T on transcript NM_001123385.2 (MANE Select); coding-DNA position 3487, C replaced by T.
Protein change: p.Arg1163Ter; replaces arginine 1163 with a stop codon.
Molecular consequence: nonsense.
Genome position (GRCh38, 1-based): chrX:40,064,351, G>A on the plus strand (C>T on the coding strand, the complement: BCOR is on the minus strand). VCF-style: chrX-40064351-G-A. GRCh37 (hg19) VCF-style: chrX-39923604-G-A.
Other names: c.3487C>T, p.Arg1163Ter (NM_001123383.2, NM_017745.6); c.3433C>T, p.Arg1145Ter (NM_001123384.2); short protein forms R1145*, R1163*.
Identifiers: ClinVar variation 954289 (VCV000954289.8), dbSNP rs1935081157, ClinGen allele CA412738773.
Genomic context (GRCh38, chrX:40,064,351, plus strand): 5'-CAAAGGCCCACCCCCCGGCAGGCGGGCGAAGCAGACAGGGCTCACCTTTAGAGACTCGTC[G>A]GCGTTTGGCTTTCAGCAGAGGGTCCTCTGGCACCTCCTCCGCAGTGGTCTCAGTGTGGCT-3'

ClinVar aggregate classification (germline): Pathogenic. Review status: criteria provided, multiple submitters, no conflicts (2 of 4 stars). 3 submissions from 3 submitters: Pathogenic (3). Last evaluated 2025-09-11.

Conditions:
Oculofaciocardiodental syndrome (MCOPS2). Identifiers: Orphanet 2712, MedGen C1846265, MONDO:0010261, OMIM 300166.

Submissions (3):

Variantyx, Inc.
Classification: Pathogenic for Oculofaciocardiodental syndrome. Last evaluated: 2025-09-11. Review status: criteria provided, single submitter. Criteria: Variantyx Assertion Criteria 2022. Collection method: clinical testing. Allele origin: maternal. Inheritance: X-linked dominant inheritance. Affected: yes.
Comment: This is a nonsense variant in the BCOR gene (OMIM: 300485). Pathogenic variants in this gene have been associated with X-linked syndromic microphthalmia 2. This variant likely occurred de novo in individuals reported in the published literature; however, the possibility of parental germline mosaicism cannot be excluded (PMID: 29058245) (PS2_Moderate). This variant introduces a premature termination codon in exon 7 out of 15 and is expected to result in loss of function, which is a known disease mechanism for BCOR in this disorder (PMID: 15004558, 19367324) (PVS1). This variant has been reported in at least 2 unrelated affected individuals (PMID: 36980880, 26633542) (PS4_Moderate) and is absent from control populations (PM2). Based on the current evidence, this variant is classified as pathogenic for X-linked syndromic microphthalmia 2.

GeneDx
Classification: Pathogenic. Last evaluated: 2025-02-19. Review status: criteria provided, single submitter. Criteria: GeneDx Variant Classification Process June 2021. Collection method: clinical testing. Allele origin: germline. Affected: yes.
Comment: Nonsense variant predicted to result in protein truncation or nonsense mediated decay in a gene for which loss of function is a known mechanism of disease; Not observed at significant frequency in large population cohorts (gnomAD); This variant is associated with the following publications: (PMID: 35982159, 33057194, 26633542, 29058245, 39564143, Diaz2022[CaseReport], 34333045, 36980880)

Labcorp Genetics (formerly Invitae), Labcorp
Classification: Pathogenic for Oculofaciocardiodental syndrome. Last evaluated: 2024-02-14. Review status: criteria provided, single submitter. Criteria: Invitae Variant Classification Sherloc (09022015). Collection method: clinical testing. Allele origin: germline.
Comment: This sequence change creates a premature translational stop signal (p.Arg1163*) in the BCOR gene. It is expected to result in an absent or disrupted protein product. Loss-of-function variants in BCOR are known to be pathogenic (PMID: 15004558, 19367324). This variant is not present in population databases (gnomAD no frequency). This premature translational stop signal has been observed in individual(s) with oculofaciocardiodental syndrome (PMID: 29058245). In at least one individual the variant was observed to be de novo. ClinVar contains an entry for this variant (Variation ID: 954289). For these reasons, this variant has been classified as Pathogenic.

Literature cited by the submitters: PubMed 15004558 (cited by Variantyx, Inc. and Labcorp Genetics (formerly Invitae), Labcorp); PubMed 19367324 (cited by Variantyx, Inc. and Labcorp Genetics (formerly Invitae), Labcorp); PubMed 29058245 (cited by Variantyx, Inc. and Labcorp Genetics (formerly Invitae), Labcorp); PubMed 36980880 (cited by Variantyx, Inc.); PubMed 26633542 (cited by Variantyx, Inc.).